The following is an entry in ClinVar:

NM_001348323.3(TRIP12):c.3809C>T (p.Ser1270Phe)

Gene: TRIP12 (thyroid hormone receptor interactor 12; minus strand). Cytogenetic location: 2q36.3.
Variant type: single nucleotide variant.
Coding change: c.3809C>T on transcript NM_001348323.3 (MANE Select); coding-DNA position 3809, C replaced by T.
Protein change: p.Ser1270Phe; replaces serine 1270 with phenylalanine.
Molecular consequence: missense variant.
Genome position (GRCh38, 1-based): chr2:229,796,598, G>A on the plus strand (C>T on the coding strand, the complement: TRIP12 is on the minus strand). VCF-style: chr2-229796598-G-A. GRCh37 (hg19) VCF-style: chr2-230661314-G-A.
Other names: c.3728C>T, p.Ser1243Phe (NM_001284214.2, NM_001348315.2); c.3683C>T, p.Ser1228Phe (NM_001284215.2, NM_001348316.2, NM_001348317.1 and 1 more transcripts); c.2774C>T, p.Ser925Phe (NM_001284216.2); c.3809C>T, p.Ser1270Phe (NM_001348319.1, NM_001348320.2, NM_001348322.1 and 4 more transcripts); c.3812C>T, p.Ser1271Phe (NM_001348321.1, NM_001348328.1, NM_001348329.2 and 1 more transcripts); c.3602C>T, p.Ser1201Phe (NM_001348331.1); c.3722C>T, p.Ser1241Phe (NM_001348332.1); c.3731C>T, p.Ser1244Phe (NM_001348333.1); and 1 more; short protein forms S1195F, S1201F, S1228F, S1241F, S1243F, S1244F, S1270F, S1271F.
Identifiers: ClinVar variation 2574533 (VCV002574533.1), dbSNP rs2042881432, ClinGen allele CA350904071.

ClinVar aggregate classification (germline): Uncertain significance (1 of 4 stars; one submission).

Submission:

GeneDx
Classification: Uncertain significance. Last evaluated: 2023-01-26. Review status: criteria provided, single submitter. Criteria: GeneDx Variant Classification Process June 2021. Collection method: clinical testing. Allele origin: germline. Affected: yes.
Comment: Not observed at significant frequency in large population cohorts (gnomAD); In silico analysis supports that this missense variant has a deleterious effect on protein structure/function; Has not been previously published as pathogenic or benign to our knowledge